The following is an entry in ClinVar:

NM_001429.4(EP300):c.2894A>T (p.Gln965Leu)

Genes: EP300 (EP300 lysine acetyltransferase; plus strand), LOC126863158 (BRD4-independent group 4 enhancer GRCh37_chr22:41547383-41548582; plus strand). Cytogenetic location: 22q13.2.
Variant type: single nucleotide variant.
Coding change: c.2894A>T on transcript NM_001429.4 (MANE Select); coding-DNA position 2894, A replaced by T.
Protein change: p.Gln965Leu; replaces glutamine 965 with leucine.
Molecular consequence: missense variant.
Genome position (GRCh38, 1-based): chr22:41,151,909, A>T. VCF-style: chr22-41151909-A-T. GRCh37 (hg19) VCF-style: chr22-41547913-A-T.
Other names: c.2894A>T (NM_001429.3); c.2816A>T, p.Gln939Leu (NM_001362843.2); short protein forms Q939L, Q965L.
Identifiers: ClinVar variation 2719963 (VCV002719963.4), dbSNP rs374345478, ClinGen allele CA10252987.

ClinVar aggregate classification (germline): Uncertain significance. Review status: criteria provided, single submitter (1 of 4 stars). 2 submissions from 2 submitters: Uncertain significance (1). 1 of the submissions does not count toward it. Last evaluated 2023-04-23.

Conditions:
EP300-related disorder. Also called: EP300-related condition; EP300-related disorders.
Rubinstein-Taybi syndrome due to EP300 haploinsufficiency. Also called: RUBINSTEIN-TAYBI SYNDROME 2; EP300-Related Rubinstein-Taybi Syndrome. Identifiers: Orphanet 353284, Orphanet 783, MedGen C3150941, MONDO:0013364, OMIM 613684.

Allele frequency attached by ClinVar (database versions not stated): gnomAD 0.00001; ExAC 0.00002; TOPMed 0.00002; ESP Exome Variant Server 0.00008.
gnomAD v4.1: 107 of 1,613,880 alleles (0.0066%); highest among the groups gnomAD compares: Non-Finnish European, 0.0088%; no homozygotes.

Submissions (2):

Labcorp Genetics (formerly Invitae), Labcorp
Classification: Uncertain significance for Rubinstein-Taybi syndrome due to EP300 haploinsufficiency. Last evaluated: 2023-04-23. Review status: criteria provided, single submitter. Criteria: Invitae Variant Classification Sherloc (09022015). Collection method: clinical testing. Allele origin: germline.
Comment: This variant has not been reported in the literature in individuals affected with EP300-related conditions. In summary, the available evidence is currently insufficient to determine the role of this variant in disease. Therefore, it has been classified as a Variant of Uncertain Significance. Advanced modeling of protein sequence and biophysical properties (such as structural, functional, and spatial information, amino acid conservation, physicochemical variation, residue mobility, and thermodynamic stability) performed at Invitae indicates that this missense variant is not expected to disrupt EP300 protein function. This variant is present in population databases (rs374345478, gnomAD 0.003%). This sequence change replaces glutamine, which is neutral and polar, with leucine, which is neutral and non-polar, at codon 965 of the EP300 protein (p.Gln965Leu).

PreventionGenetics, part of Exact Sciences
Classification: Uncertain significance for EP300-related condition. Last evaluated: 2024-08-23. Review status: no assertion criteria provided. Collection method: clinical testing. Allele origin: germline. Not counted in ClinVar's aggregate classification.
Comment: The EP300 c.2894A>T variant is predicted to result in the amino acid substitution p.Gln965Leu. To our knowledge, this variant has not been reported in the literature. This variant is reported in 0.0035% of alleles in individuals of European (Non-Finnish) descent in gnomAD. At this time, the clinical significance of this variant is uncertain due to the absence of conclusive functional and genetic evidence.